The following is an entry in ClinVar:

NM_001349253.2(SCN11A):c.4860A>C (p.Glu1620Asp)

Gene: SCN11A (sodium voltage-gated channel alpha subunit 11; minus strand). Cytogenetic location: 3p22.2.
Variant type: single nucleotide variant.
Coding change: c.4860A>C on transcript NM_001349253.2 (MANE Select); coding-DNA position 4860, A replaced by C.
Protein change: p.Glu1620Asp; replaces glutamic acid 1620 with aspartic acid.
Molecular consequence: missense variant.
Genome position (GRCh38, 1-based): chr3:38,847,210, T>G on the plus strand (A>C on the coding strand, the complement: SCN11A is on the minus strand). VCF-style: chr3-38847210-T-G. GRCh37 (hg19) VCF-style: chr3-38888701-T-G.
Other names: c.4860A>C, p.Glu1620Asp (NM_014139.3); short protein forms E1620D.
Identifiers: ClinVar variation 1353454 (VCV001353454.8), dbSNP rs2064685800, ClinGen allele CA352162259.

ClinVar aggregate classification (germline): Uncertain significance (1 of 4 stars; one submission).

Conditions:
Hereditary sensory and autonomic neuropathy type 7. Also called: Neuropathy, hereditary sensory and autonomic, type VII; HSAN VII. Identifiers: Orphanet 391397, MedGen C3809882, MONDO:0014244, OMIM 615548.
Familial episodic pain syndrome with predominantly lower limb involvement. Also called: Episodic pain syndrome, familial, 3. Identifiers: Orphanet 391384, Orphanet 391392, MedGen C3809899, MONDO:0014247, OMIM 615552.

Allele frequency attached by ClinVar (database versions not stated): TOPMed below 0.00001.

Submission:

Labcorp Genetics (formerly Invitae), Labcorp
Classification: Uncertain significance for Familial episodic pain syndrome with predominantly lower limb involvement; Hereditary sensory and autonomic neuropathy type 7. Last evaluated: 2024-10-24. Review status: criteria provided, single submitter. Criteria: Invitae Variant Classification Sherloc (09022015). Collection method: clinical testing. Allele origin: germline.
Comment: This sequence change replaces glutamic acid, which is acidic and polar, with aspartic acid, which is acidic and polar, at codon 1620 of the SCN11A protein (p.Glu1620Asp). This variant is not present in population databases (gnomAD no frequency). This variant has not been reported in the literature in individuals affected with SCN11A-related conditions. ClinVar contains an entry for this variant (Variation ID: 1353454). Invitae Evidence Modeling of protein sequence and biophysical properties (such as structural, functional, and spatial information, amino acid conservation, physicochemical variation, residue mobility, and thermodynamic stability) indicates that this missense variant is not expected to disrupt SCN11A protein function with a negative predictive value of 80%. In summary, the available evidence is currently insufficient to determine the role of this variant in disease. Therefore, it has been classified as a Variant of Uncertain Significance.